The following is an entry in ClinVar:

NC_000004.12:g.107989821C>T

Genes: HADH (hydroxyacyl-CoA dehydrogenase; plus strand), LOC129992931 (ATAC-STARR-seq lymphoblastoid silent region 15614; plus strand). Cytogenetic location: 4q25.
Variant type: single nucleotide variant.
Genome position: GRCh38 VCF-style: chr4-107989821-C-T. GRCh37 (hg19) VCF-style: chr4-108910977-C-T.
Identifiers: ClinVar variation 2655015 (VCV002655015.22), dbSNP rs771973054, ClinGen allele CA3037253.

ClinVar aggregate classification (germline): Likely benign (1 of 4 stars; one submission).

Submission:

CeGaT Center for Human Genetics Tuebingen
Classification: Likely benign. Last evaluated: 2023-10-01. Review status: criteria provided, single submitter. Criteria: CeGaT Center For Human Genetics Tuebingen Variant Classification Criteria Version 2. Collection method: clinical testing. Allele origin: germline. Affected: yes. Observed: 1 variant allele.
Comment: HADH: BP4, BP7